The following is an entry in ClinVar:

ClinVar aggregate classification (germline): Likely benign (0 of 4 stars; one submission).

Conditions:
PLXNA3-related disorder. Also called: PLXNA3-related condition.

Allele frequency attached by ClinVar (database versions not stated): gnomAD 0.00001; TOPMed 0.00001; gnomAD exomes 0.00002; ExAC 0.00005.
gnomAD v4.1: 21 of 1,202,260 alleles (0.0017%); highest among the groups gnomAD compares: South Asian, 0.0088%; no homozygotes.

Submission:

PreventionGenetics, part of Exact Sciences
Classification: Likely benign for PLXNA3-related condition. Last evaluated: 2023-02-07. Review status: no assertion criteria provided. Collection method: clinical testing. Allele origin: germline.
Comment: This variant is classified as likely benign based on ACMG/AMP sequence variant interpretation guidelines (Richards et al. 2015 PMID: 25741868, with internal and published modifications).

NM_017514.5(PLXNA3):c.3633G>A (p.Ser1211=)

Gene: PLXNA3 (plexin A3; plus strand). Cytogenetic location: Xq28.
Variant type: single nucleotide variant.
Coding change: c.3633G>A on transcript NM_017514.5 (MANE Select); coding-DNA position 3633, G replaced by A.
Protein change: p.Ser1211=; no amino-acid change (serine 1211 retained).
Molecular consequence: synonymous variant.
Genome position (GRCh38, 1-based): chrX:154,467,814, G>A. VCF-style: chrX-154467814-G-A. GRCh37 (hg19) VCF-style: chrX-153696157-G-A.
Identifiers: ClinVar variation 3054850 (VCV003054850.2), dbSNP rs782503035, ClinGen allele CA10564682.